The following is an entry in ClinVar:

NM_000548.5(TSC2):c.2338C>A (p.Leu780Met)

Gene: TSC2 (TSC complex subunit 2; plus strand). Cytogenetic location: 16p13.3.
Variant type: single nucleotide variant.
Coding change: c.2338C>A on transcript NM_000548.5 (MANE Select); coding-DNA position 2338, C replaced by A.
Protein change: p.Leu780Met; replaces leucine 780 with methionine.
Molecular consequence: missense variant. On other transcripts: non-coding transcript variant (5).
Genome position (GRCh38, 1-based): chr16:2,072,966, C>A. VCF-style: chr16-2072966-C-A. GRCh37 (hg19) VCF-style: chr16-2122967-C-A.
Other names: c.2281C>A, p.Leu761Met (NM_001406677.1); c.2227C>A, p.Leu743Met (NM_001406678.1, NM_001318827.2, NM_001406670.1); c.2191C>A, p.Leu731Met (NM_001406679.1, NM_001318829.2, NM_001406675.1 and 1 more transcripts); c.1738C>A, p.Leu580Met (NM_001406680.1, NM_001406682.1, NM_001406683.1 and 6 more transcripts); c.1876C>A, p.Leu626Met (NM_001406681.1); c.2338C>A, p.Leu780Met (NM_001077183.3, NM_001114382.3, NM_001363528.2 and 6 more transcripts); c.2371C>A, p.Leu791Met (NM_001318832.2); c.2428C>A, p.Leu810Met (NM_001406667.1, NM_001406668.1); and 3 more; short protein forms L776M, L780M, L791M, L246M, L332M, L580M, L626M, L761M.
Identifiers: ClinVar variation 3637201 (VCV003637201.2).

ClinVar aggregate classification (germline): Uncertain significance (1 of 4 stars; one submission).

Conditions:
Tuberous sclerosis 2 (TSC2). Identifiers: Orphanet 805, MedGen C1860707, MONDO:0013199, OMIM 613254.

Submission:

Labcorp Genetics (formerly Invitae), Labcorp
Classification: Uncertain significance for Tuberous sclerosis 2. Last evaluated: 2024-08-31. Review status: criteria provided, single submitter. Criteria: Invitae Variant Classification Sherloc (09022015). Collection method: clinical testing. Allele origin: germline.
Comment: This sequence change replaces leucine, which is neutral and non-polar, with methionine, which is neutral and non-polar, at codon 780 of the TSC2 protein (p.Leu780Met). This variant is not present in population databases (gnomAD no frequency). This variant has not been reported in the literature in individuals affected with TSC2-related conditions. Invitae Evidence Modeling of protein sequence and biophysical properties (such as structural, functional, and spatial information, amino acid conservation, physicochemical variation, residue mobility, and thermodynamic stability) indicates that this missense variant is not expected to disrupt TSC2 protein function with a negative predictive value of 95%. In summary, the available evidence is currently insufficient to determine the role of this variant in disease. Therefore, it has been classified as a Variant of Uncertain Significance.